The following is an entry in ClinVar:

NM_000260.4(MYO7A):c.132+5G>A

Gene: MYO7A (myosin VIIA; plus strand). Cytogenetic location: 11q13.5.
Variant type: single nucleotide variant.
Coding change: c.132+5G>A on transcript NM_000260.4 (MANE Select); 5 bases into the intron after coding-DNA position 132, G replaced by A.
Molecular consequence: intron variant.
Genome position (GRCh38, 1-based): chr11:77,142,827, G>A. VCF-style: chr11-77142827-G-A. GRCh37 (hg19) VCF-style: chr11-76853873-G-A.
Other names: c.99+5G>A (NM_001369365.1); c.132+5G>A (NM_001127180.2).
Identifiers: ClinVar variation 43140 (VCV000043140.11), dbSNP rs397516284, ClinGen allele CA278622.

ClinVar aggregate classification (germline): Conflicting classifications of pathogenicity. Review status: criteria provided, conflicting classifications (1 of 4 stars). 4 submissions from 4 submitters: Likely pathogenic (2); Uncertain significance (1). 1 of the submissions does not count toward it. Last evaluated 2025-01-13.

Conditions:
Rare genetic deafness. Identifiers: Orphanet 96210, MedGen C5680250.
Retinal dystrophy. Also called: Inherited retinal dystrophy. Identifiers: Orphanet 71862, MedGen C0854723, MeSH D058499, MONDO:0019118, HP:0000556.
Usher syndrome type 1 (USH1). Also called: RETINITIS PIGMENTOSA AND CONGENITAL DEAFNESS. Identifiers: Orphanet 231169, Orphanet 886, MedGen C1568247, MONDO:0010168, OMIM 276900.

Allele frequency attached by ClinVar (database versions not stated): gnomAD exomes 0.00001.
gnomAD v4.1: 11 of 1,594,614 alleles (0.00069%); highest among the groups gnomAD compares: Non-Finnish European, 0.00094%; no homozygotes.

Submissions (4):

Labcorp Genetics (formerly Invitae), Labcorp
Classification: Uncertain significance. Last evaluated: 2025-01-13. Review status: criteria provided, single submitter. Criteria: Invitae Variant Classification Sherloc (09022015). Collection method: clinical testing. Allele origin: germline.
Comment: This sequence change falls in intron 3 of the MYO7A gene. It does not directly change the encoded amino acid sequence of the MYO7A protein. It affects a nucleotide within the consensus splice site. This variant is not present in population databases (gnomAD no frequency). This variant has been observed in individual(s) with deafness and/or Usher syndrome (PMID: 27208204; internal data). In at least one individual the data is consistent with being in trans (on the opposite chromosome) from a pathogenic variant. ClinVar contains an entry for this variant (Variation ID: 43140). Variants that disrupt the consensus splice site are a relatively common cause of aberrant splicing (PMID: 17576681, 9536098). Algorithms developed to predict the effect of sequence changes on RNA splicing suggest that this variant may disrupt the consensus splice site. In summary, the available evidence is currently insufficient to determine the role of this variant in disease. Therefore, it has been classified as a Variant of Uncertain Significance.

3billion
Classification: Likely pathogenic for Usher syndrome type 1. Last evaluated: 2023-06-28. Review status: criteria provided, single submitter. Criteria: ACMG Guidelines, 2015. Collection method: clinical testing. Allele origin: germline. Affected: yes.
Comment: The variant is not observed in the gnomAD v2.1.1 dataset. Predicted Consequence/Location: Intron variant In silico tools predict the variant to alter splicing and produce an abnormal transcript (SpliceAI: 0.73). The variant is in trans with the other variant. The variant has been reported to be associated with MYO7A-related disorder (ClinVar ID: VCV000043140). Therefore, this variant is classified as Likely pathogenic according to the recommendation of ACMG/AMP guideline.

Laboratory for Molecular Medicine, Mass General Brigham Personalized Medicine
Classification: Likely pathogenic for Rare genetic deafness. Last evaluated: 2010-09-02. Review status: criteria provided, single submitter. Criteria: LMM Criteria. Collection method: clinical testing. Allele origin: germline. Observed: 2 variant alleles.
Comment: T he 132+5G>A variant is located in the 5' splice region and affects the +5 positi on which is the most conserved position after the +1 and +2 positions. In summar y, this variant is likely to be pathogenic.

Centre for Genomic Medicine, Manchester, Central Manchester University Hospitals
Classification: Uncertain significance for Retinal dystrophy. Review status: no assertion criteria provided. Collection method: clinical testing. Allele origin: germline. Affected: yes. Not counted in ClinVar's aggregate classification.

Literature cited by the submitters: PubMed 27208204 (cited by Labcorp Genetics (formerly Invitae), Labcorp); PubMed 17576681 (cited by Labcorp Genetics (formerly Invitae), Labcorp); PubMed 9536098 (cited by Labcorp Genetics (formerly Invitae), Labcorp).